The following is an entry in ClinVar:

NM_014704.4(CEP104):c.961A>G (p.Met321Val)

Gene: CEP104 (centrosomal protein 104; minus strand). Cytogenetic location: 1p36.32.
Variant type: single nucleotide variant.
Coding change: c.961A>G on transcript NM_014704.4 (MANE Select); coding-DNA position 961, A replaced by G.
Protein change: p.Met321Val; replaces methionine 321 with valine.
Molecular consequence: missense variant.
Genome position (GRCh38, 1-based): chr1:3,837,450, T>C on the plus strand (A>G on the coding strand, the complement: CEP104 is on the minus strand). VCF-style: chr1-3837450-T-C. GRCh37 (hg19) VCF-style: chr1-3754014-T-C.
Other names: c.961A>G (NM_014704.3); short protein forms M321V.
Identifiers: ClinVar variation 2037282 (VCV002037282.2), dbSNP rs144278349, ClinGen allele CA551762.

ClinVar aggregate classification (germline): Conflicting classifications of pathogenicity. Review status: criteria provided, conflicting classifications (1 of 4 stars). 2 submissions from 2 submitters: Uncertain significance (1); Likely benign (1). Last evaluated 2025-08-24.

Conditions:
Joubert syndrome 25 (JBTS25). Identifiers: Orphanet 475, MedGen C4084842, MONDO:0014770, OMIM 616781.
Inborn genetic diseases. Identifiers: MedGen C0950123, MeSH D030342.

Allele frequency attached by ClinVar (database versions not stated): gnomAD exomes 0.00002; TOPMed 0.00004; ExAC 0.00005; gnomAD 0.00005; ESP Exome Variant Server 0.00008.
gnomAD v4.1: 38 of 1,614,106 alleles (0.0024%); highest among the groups gnomAD compares: Admixed American, 0.025%; no homozygotes.

Submissions (2):

Ambry Genetics
Classification: Likely benign for Inborn genetic diseases. Last evaluated: 2025-08-24. Review status: criteria provided, single submitter. Criteria: Ambry Variant Classification Scheme 2023. Collection method: clinical testing. Allele origin: germline.

Labcorp Genetics (formerly Invitae), Labcorp
Classification: Uncertain significance for Joubert syndrome 25. Last evaluated: 2022-04-11. Review status: criteria provided, single submitter. Criteria: Invitae Variant Classification Sherloc (09022015). Collection method: clinical testing. Allele origin: germline.
Comment: This sequence change replaces methionine, which is neutral and non-polar, with valine, which is neutral and non-polar, at codon 321 of the CEP104 protein (p.Met321Val). This variant is present in population databases (rs144278349, gnomAD 0.03%). This variant has not been reported in the literature in individuals affected with CEP104-related conditions. Algorithms developed to predict the effect of missense changes on protein structure and function output the following: SIFT: "Tolerated"; PolyPhen-2: "Benign"; Align-GVGD: "Class C0". The valine amino acid residue is found in multiple mammalian species, which suggests that this missense change does not adversely affect protein function. In summary, the available evidence is currently insufficient to determine the role of this variant in disease. Therefore, it has been classified as a Variant of Uncertain Significance.